The following continues an entry in ClinVar:

NM_002485.5(NBN):c.1262T>C (p.Leu421Ser)

Gene: NBN. ClinVar aggregate classification (germline): Conflicting classifications of pathogenicity. Uncertain significance (5); Benign (2); Likely benign (10).

Submissions 19 to 25 of 25:

True Health Diagnostics
Classification: Uncertain significance for Hereditary cancer-predisposing syndrome. Last evaluated: 2018-09-28. Review status: no assertion criteria provided. Collection method: clinical testing. Allele origin: germline. Not counted in ClinVar's aggregate classification.

Counsyl
Classification: Uncertain significance for Microcephaly, normal intelligence and immunodeficiency. Last evaluated: 2018-05-03. Review status: no assertion criteria provided. Collection method: clinical testing. Allele origin: unknown. Not counted in ClinVar's aggregate classification.

Clinical Genetics DNA and cytogenetics Diagnostics Lab, Erasmus MC, Erasmus Medical Center
Classification: Likely benign. Review status: no assertion criteria provided. Collection method: clinical testing. Allele origin: germline. Affected: yes. Study: VKGL Data-share Consensus. Not counted in ClinVar's aggregate classification.

Department of Pathology and Laboratory Medicine, Sinai Health System
Classification: Likely benign for Malignant tumor of breast. Review status: no assertion criteria provided. Collection method: clinical testing. Allele origin: unknown. Affected: yes. Study: The Canadian Open Genetics Repository (COGR). Not counted in ClinVar's aggregate classification.
Comment: The NBN p.Leu421Ser variant was identified in 5 of 11992 proband chromosomes (frequency: 0.0004) from individuals or families with antibody deficiency syndromes IgAD or CVID, ovarian cancer or Lynch syndrome and was present in 3 of 8746 control chromosomes (frequency: 0.0005) from healthy individuals (Offer 2010, Ramus 2015, Yurgelun 2015, Yurgelun 2017). The variant was also found in Genome-Wide testing of putative functional exonic variants with relative risk 1.224 and P=0.87 (Haiman 2013). The variant was identified in dbSNP (ID: rs104895032) as "With other allele", and in ClinVar (classified as benign by Invitae; as uncertain significance by eight submitters). The variant was not identified in LOVD 3.0 database. The variant was identified in control databases in 105 of 277090 chromosomes (1 homozygous) at a frequency of 0.0004 increasing the likelihood this could be a low frequency benign variant (Genome Aggregation Database Feb 27, 2017). The variant was observed in the following populations: African in 6 of 24016 chromosomes (freq: 0.0003), Other in 3 of 6458 chromosomes (freq: 0.0005), Latino in 1 of 34408 chromosomes (freq: 0.00003), European in 44 of 126620 chromosomes (freq: 0.0004), Ashkenazi Jewish in 43 of 10152 chromosomes (freq: 0.004), Finnish in 8 of 25790 chromosomes (freq: 0.0003), while the variant was not observed in the East Asian, and South Asian populations. The p.Leu421 residue is conserved in mammals but not in more distantly related organisms however four out of five computational analyses (PolyPhen-2, SIFT, AlignGVGD, BLOSUM, MutationTaster) do not suggest a high likelihood of impact to the protein; this information is not predictive enough to rule out pathogenicity. The variant occurs outside of the splicing consensus sequence and in silico or computational prediction software programs (SpliceSiteFinder, MaxEntScan, NNSPLICE, GeneSplicer) do not predict a difference in splicing. In summary, based on the above information the clinical significance of this variant cannot be determined with certainty at this time although we would lean towards a more benign role for this variant. This variant is classified as likely benign.

Genome Diagnostics Laboratory, University Medical Center Utrecht
Classification: Likely benign. Review status: no assertion criteria provided. Collection method: clinical testing. Allele origin: germline. Affected: yes. Study: VKGL Data-share Consensus. Not counted in ClinVar's aggregate classification.

Harris Lab, University of Minnesota
No classification provided. Review status: no classification provided. Collection method: not provided. Allele origin: unknown. Not counted in ClinVar's aggregate classification.

Laboratory of Diagnostic Genome Analysis, Leiden University Medical Center (LUMC)
Classification: Likely benign. Review status: no assertion criteria provided. Collection method: clinical testing. Allele origin: germline. Affected: yes. Study: VKGL Data-share Consensus. Not counted in ClinVar's aggregate classification.

Literature cited by the submitters: PubMed 23555315 (cited by Women's Health and Genetics/Laboratory Corporation of America, LabCorp and Quest Diagnostics Nichols Institute San Juan Capistrano); PubMed 25980754 (cited by Women's Health and Genetics/Laboratory Corporation of America, LabCorp and Quest Diagnostics Nichols Institute San Juan Capistrano); PubMed 26315354 (cited by 3 submitters); PubMed 25186627 (cited by Women's Health and Genetics/Laboratory Corporation of America, LabCorp and Quest Diagnostics Nichols Institute San Juan Capistrano); PubMed 20805886 (cited by 4 submitters); PubMed 28135145 (cited by Women's Health and Genetics/Laboratory Corporation of America, LabCorp and Quest Diagnostics Nichols Institute San Juan Capistrano); PubMed 28726808 (cited by Women's Health and Genetics/Laboratory Corporation of America, LabCorp and Quest Diagnostics Nichols Institute San Juan Capistrano); PubMed 30374176 (cited by Women's Health and Genetics/Laboratory Corporation of America, LabCorp and Quest Diagnostics Nichols Institute San Juan Capistrano); PubMed 33471991 (cited by Women's Health and Genetics/Laboratory Corporation of America, LabCorp and Quest Diagnostics Nichols Institute San Juan Capistrano); PubMed 34326862 (cited by Women's Health and Genetics/Laboratory Corporation of America, LabCorp); PubMed 35534704 (cited by Women's Health and Genetics/Laboratory Corporation of America, LabCorp); PubMed 28873162 (cited by Quest Diagnostics Nichols Institute San Juan Capistrano); PubMed 29300386 (cited by Ambry Genetics).